The following is an entry in ClinVar:

ClinVar aggregate classification (germline): Uncertain significance. Review status: criteria provided, multiple submitters, no conflicts (2 of 4 stars). 2 submissions from 2 submitters: Uncertain significance (2). Last evaluated 2026-03-01.

gnomAD v4.1: 5 of 1,612,686 alleles (0.00031%); highest among the groups gnomAD compares: East Asian, 0.0022%; no homozygotes.

Submissions (2):

CeGaT Center for Human Genetics Tuebingen
Classification: Uncertain significance. Last evaluated: 2026-03-01. Review status: criteria provided, single submitter. Criteria: CeGaT Center For Human Genetics Tuebingen Variant Classification Criteria Version 2. Collection method: clinical testing. Allele origin: germline. Affected: yes. Observed: 1 variant allele.

Labcorp Genetics (formerly Invitae), Labcorp
Classification: Uncertain significance. Last evaluated: 2025-01-11. Review status: criteria provided, single submitter. Criteria: Invitae Variant Classification Sherloc (09022015). Collection method: clinical testing. Allele origin: germline.
Comment: This sequence change replaces histidine, which is basic and polar, with arginine, which is basic and polar, at codon 1128 of the NRIP1 protein (p.His1128Arg). This variant is present in population databases (no rsID available, gnomAD 0.0009%). This variant has not been reported in the literature in individuals affected with NRIP1-related conditions. An algorithm developed to predict the effect of missense changes on protein structure and function (PolyPhen-2) suggests that this variant is likely to be disruptive. In summary, the available evidence is currently insufficient to determine the role of this variant in disease. Therefore, it has been classified as a Variant of Uncertain Significance.

NM_003489.4(NRIP1):c.3383A>G (p.His1128Arg)

Gene: NRIP1 (nuclear receptor interacting protein 1; minus strand). Cytogenetic location: 21q11.2.
Variant type: single nucleotide variant.
Coding change: c.3383A>G on transcript NM_003489.4 (MANE Select); coding-DNA position 3383, A replaced by G.
Protein change: p.His1128Arg; replaces histidine 1128 with arginine.
Molecular consequence: missense variant.
Genome position (GRCh38, 1-based): chr21:14,964,810, T>C on the plus strand (A>G on the coding strand, the complement: NRIP1 is on the minus strand). VCF-style: chr21-14964810-T-C. GRCh37 (hg19) VCF-style: chr21-16337131-T-C.
Other names: short protein forms H1128R.
Identifiers: ClinVar variation 3687223 (VCV003687223.6).